The following is an entry in ClinVar:

NM_000051.4(ATM):c.1694A>G (p.Glu565Gly)

Gene: ATM (ATM serine/threonine kinase; plus strand). Cytogenetic location: 11q22.3.
Variant type: single nucleotide variant.
Coding change: c.1694A>G on transcript NM_000051.4 (MANE Select); coding-DNA position 1694, A replaced by G.
Protein change: p.Glu565Gly; replaces glutamic acid 565 with glycine.
Molecular consequence: missense variant.
Genome position (GRCh38, 1-based): chr11:108,251,923, A>G. VCF-style: chr11-108251923-A-G. GRCh37 (hg19) VCF-style: chr11-108122650-A-G.
Other names: c.1694A>G, p.Glu565Gly (NM_001351834.2); short protein forms E565G.
Identifiers: ClinVar variation 4747177 (VCV004747177.1).

ClinVar aggregate classification (germline): Uncertain significance (1 of 4 stars; one submission).

Conditions:
Ataxia-telangiectasia syndrome (AT). Also called: Ataxia-telangiectasia, complementation group D; AT, COMPLEMENTATION GROUP C; Ataxia-telangiectasia; Ataxia telangiectasia (A-T); LOUIS-BAR SYNDROME; Cerebello-oculocutaneous telangiectasia. Identifiers: Orphanet 100, MedGen C0004135, MONDO:0008840, OMIM 208900.

Submission:

Labcorp Genetics (formerly Invitae), Labcorp
Classification: Uncertain significance for Ataxia-telangiectasia syndrome. Last evaluated: 2025-02-18. Review status: criteria provided, single submitter. Criteria: Invitae Variant Classification Sherloc (09022015). Collection method: clinical testing. Allele origin: germline.
Comment: This sequence change replaces glutamic acid, which is acidic and polar, with glycine, which is neutral and non-polar, at codon 565 of the ATM protein (p.Glu565Gly). This variant is not present in population databases (gnomAD no frequency). This variant has not been reported in the literature in individuals affected with ATM-related conditions. Invitae Evidence Modeling of protein sequence and biophysical properties (such as structural, functional, and spatial information, amino acid conservation, physicochemical variation, residue mobility, and thermodynamic stability) indicates that this missense variant is not expected to disrupt ATM protein function with a negative predictive value of 95%. In summary, the available evidence is currently insufficient to determine the role of this variant in disease. Therefore, it has been classified as a Variant of Uncertain Significance.